The following is an entry in ClinVar:

ClinVar aggregate classification (germline): Benign/Likely benign. Review status: criteria provided, multiple submitters, no conflicts (2 of 4 stars). 10 submissions from 10 submitters: Benign (7); Likely benign (2). 1 of the submissions does not count toward it. Last evaluated 2026-02-03.

Conditions:
TRPM4-related disorder. Also called: TRPM4-related disorders; TRPM4-related condition. Identifiers: MedGen CN239424.
Cardiovascular phenotype. Identifiers: MedGen CN230736.
Progressive familial heart block type IB (PFHB1B). Identifiers: Orphanet 871, MedGen C1970298, MONDO:0011474, OMIM 604559.

Allele frequency attached by ClinVar (database versions not stated): TOPMed 0.01492; 1000 Genomes Project 30x 0.01546; 1000 Genomes Project 0.01577; gnomAD exomes 0.01699 and 0.02157; ESP Exome Variant Server 0.01762; gnomAD 0.01836 and 0.01878; ExAC 0.04005.
gnomAD v4.1: 27,231 of 1,591,836 alleles (1.7%); highest among the groups gnomAD compares: South Asian, 3.5%; 376 homozygotes.

Submissions (10):

Labcorp Genetics (formerly Invitae), Labcorp
Classification: Benign for Progressive familial heart block type IB. Last evaluated: 2026-02-03. Review status: criteria provided, single submitter. Criteria: Invitae Variant Classification Sherloc (09022015). Collection method: clinical testing. Allele origin: germline.

Molecular Diagnostic Laboratory for Inherited Cardiovascular Disease, Montreal Heart Institute
Classification: Benign. Last evaluated: 2025-04-09. Review status: criteria provided, single submitter. Criteria: ACMG Guidelines, 2015. Collection method: clinical testing. Allele origin: germline. Affected: no.

Blueprint Genetics
Classification: Benign. Last evaluated: 2024-11-27. Review status: criteria provided, single submitter. Criteria: ACMG Guidelines, 2015. Collection method: clinical testing. Allele origin: germline.

ARUP Laboratories, Molecular Genetics and Genomics, ARUP Laboratories
Classification: Benign. Last evaluated: 2023-11-01. Review status: criteria provided, single submitter. Criteria: ARUP Molecular Germline Variant Investigation Process 2024. Collection method: clinical testing. Allele origin: germline.

Women's Health and Genetics/Laboratory Corporation of America, LabCorp
Classification: Benign. Last evaluated: 2023-10-19. Review status: criteria provided, single submitter. Criteria: LabCorp Variant Classification Summary - May 2015. Collection method: clinical testing. Allele origin: germline.

Illumina Laboratory Services, Illumina
Classification: Likely benign for Progressive familial heart block type IB. Last evaluated: 2018-01-13. Review status: criteria provided, single submitter. Criteria: ICSL Variant Classification Criteria 13 December 2019. Collection method: clinical testing. Allele origin: germline.
Comment: This variant was observed in the ICSL laboratory as part of a predisposition screen in an ostensibly healthy population. It had not been previously curated by ICSL or reported in the Human Gene Mutation Database (HGMD: prior to June 1st, 2018), and was therefore a candidate for classification through an automated scoring system. Utilizing variant allele frequency, disease prevalence and penetrance estimates, and inheritance mode, an automated score was calculated to assess if this variant is too frequent to cause the disease. Based on the score and internal cut-off values, a variant classified as likely benign is not then subjected to further curation. The score for this variant resulted in a classification of likely benign for this disease.

GeneDx
Classification: Benign. Last evaluated: 2016-09-29. Review status: criteria provided, single submitter. Criteria: GeneDx Variant Classification (06012015). Collection method: clinical testing. Allele origin: germline. Affected: yes.
Comment: This variant is considered likely benign or benign based on one or more of the following criteria: it is a conservative change, it occurs at a poorly conserved position in the protein, it is predicted to be benign by multiple in silico algorithms, and/or has population frequency not consistent with disease.

Ambry Genetics
Classification: Benign for Cardiovascular phenotype. Last evaluated: 2015-03-25. Review status: criteria provided, single submitter. Criteria: Ambry Variant Classification Scheme 2023. Collection method: clinical testing. Allele origin: germline.

Breakthrough Genomics
Classification: Likely benign. Review status: criteria provided, single submitter. Criteria: ACMG Guidelines, 2015. Collection method: not provided. Allele origin: germline. Inheritance: Autosomal dominant inheritance. Affected: yes.

PreventionGenetics, part of Exact Sciences
Classification: Benign for TRPM4-related condition. Last evaluated: 2019-04-04. Review status: no assertion criteria provided. Collection method: clinical testing. Allele origin: germline. Not counted in ClinVar's aggregate classification.
Comment: This variant is classified as benign based on ACMG/AMP sequence variant interpretation guidelines (Richards et al. 2015 PMID: 25741868, with internal and published modifications).

NM_017636.4(TRPM4):c.783G>A (p.Lys261=)

Gene: TRPM4 (transient receptor potential cation channel subfamily M member 4; plus strand). Cytogenetic location: 19q13.33.
Variant type: single nucleotide variant.
Coding change: c.783G>A on transcript NM_017636.4 (MANE Select); coding-DNA position 783, G replaced by A.
Protein change: p.Lys261=; no amino-acid change (lysine 261 retained).
Molecular consequence: synonymous variant. On other transcripts: 5 prime UTR variant (2).
Genome position (GRCh38, 1-based): chr19:49,168,723, G>A. VCF-style: chr19-49168723-G-A. GRCh37 (hg19) VCF-style: chr19-49671980-G-A.
Other names: c.783G>A, p.Lys261= (NM_001195227.2); c.438G>A, p.Lys146= (NM_001321281.2); c.-771G>A (NM_001321282.2); c.261G>A, p.Lys87= (NM_001321283.2); c.-67G>A (NM_001321285.2).
Identifiers: ClinVar variation 220961 (VCV000220961.32), dbSNP rs111930830, ClinGen allele CA349329.